The following is an entry in ClinVar:

ClinVar aggregate classification (germline): Uncertain significance. Review status: criteria provided, multiple submitters, no conflicts (2 of 4 stars). 2 submissions from 2 submitters: Uncertain significance (2). Last evaluated 2024-07-23.

Allele frequency attached by ClinVar (database versions not stated): gnomAD exomes below 0.00001; TOPMed 0.00001; ExAC 0.00002; gnomAD 0.00002; 1000 Genomes Project 30x 0.00016; 1000 Genomes Project 0.00020.
gnomAD v4.1: 5 of 1,612,826 alleles (0.00031%); highest among the groups gnomAD compares: East Asian, 0.0045%; no homozygotes.

Submissions (2):

GeneDx
Classification: Uncertain significance. Last evaluated: 2024-07-23. Review status: criteria provided, single submitter. Criteria: GeneDx Variant Classification Process June 2021. Collection method: clinical testing. Allele origin: germline. Affected: yes.
Comment: In silico analysis indicates that this missense variant does not alter protein structure/function; Reported as de novo in a patient with neurodevelopmental disorder in published literature; a second variant in the GFM2 gene was not reported (PMID: 31785789); This variant is associated with the following publications: (PMID: 31785789)

Labcorp Genetics (formerly Invitae), Labcorp
Classification: Uncertain significance. Last evaluated: 2024-07-01. Review status: criteria provided, single submitter. Criteria: Invitae Variant Classification Sherloc (09022015). Collection method: clinical testing. Allele origin: germline.
Comment: This sequence change replaces valine, which is neutral and non-polar, with isoleucine, which is neutral and non-polar, at codon 238 of the GFM2 protein (p.Val238Ile). This variant is present in population databases (rs528572203, gnomAD 0.02%). This missense change has been observed in individual(s) with neurodevelopmental disorders (PMID: 31785789). Advanced modeling of protein sequence and biophysical properties (such as structural, functional, and spatial information, amino acid conservation, physicochemical variation, residue mobility, and thermodynamic stability) performed at Invitae indicates that this missense variant is not expected to disrupt GFM2 protein function with a negative predictive value of 80%. In summary, the available evidence is currently insufficient to determine the role of this variant in disease. Therefore, it has been classified as a Variant of Uncertain Significance.

Literature cited by the submitters: PubMed 31785789 (cited by Labcorp Genetics (formerly Invitae), Labcorp).

NM_032380.5(GFM2):c.712G>A (p.Val238Ile)

Gene: GFM2 (GTP dependent ribosome recycling factor mitochondrial 2; minus strand). Cytogenetic location: 5q13.3.
Variant type: single nucleotide variant.
Coding change: c.712G>A on transcript NM_032380.5 (MANE Select); coding-DNA position 712, G replaced by A.
Protein change: p.Val238Ile; replaces valine 238 with isoleucine.
Molecular consequence: missense variant. On other transcripts: non-coding transcript variant (1).
Genome position (GRCh38, 1-based): chr5:74,745,815, C>T on the plus strand (G>A on the coding strand, the complement: GFM2 is on the minus strand). VCF-style: chr5-74745815-C-T. GRCh37 (hg19) VCF-style: chr5-74041640-C-T.
Other names: c.712G>A (NM_032380.3); c.808G>A, p.Val270Ile (NM_001281302.2); c.712G>A, p.Val238Ile (NM_170681.3, NM_170691.3); short protein forms V238I, V270I.
Identifiers: ClinVar variation 2780058 (VCV002780058.4), dbSNP rs528572203, ClinGen allele CA3306701.